The following is an entry in ClinVar:

NM_001399.5(EDA):c.913A>C (p.Ser305Arg)

Gene: EDA (ectodysplasin A; plus strand). Cytogenetic location: Xq13.1.
Variant type: single nucleotide variant.
Coding change: c.913A>C on transcript NM_001399.5 (MANE Select); coding-DNA position 913, A replaced by C.
Protein change: p.Ser305Arg; replaces serine 305 with arginine.
Molecular consequence: missense variant. On other transcripts: intron variant (1).
Genome position (GRCh38, 1-based): chrX:70,033,517, A>C. VCF-style: chrX-70033517-A-C. GRCh37 (hg19) VCF-style: chrX-69253367-A-C.
Other names: c.913A>C, p.Ser305Arg (NM_001005609.2); c.904A>C, p.Ser302Arg (NM_001005612.3, NM_001440761.1); c.882+31A>C (NM_001440762.1); short protein forms S302R, S305R.
Identifiers: ClinVar variation 4746380 (VCV004746380.1).
Genomic context (GRCh38, chrX:70,033,517, plus strand): 5'-AAGCTACATCCCCGCAGCGGGGAGCTGGAGGTACTGGTGGACGGCACCTACTTCATCTAT[A>C]GTCAGGTAGAAGTGAGTACGGTCTTAGGCCTAACTCTTCTTATATCCAGAATGCAGATCC-3'
Protein context (NP_001390.1, residues 295-315): VLVDGTYFIY[Ser305Arg]QVEVYYINFT

ClinVar aggregate classification (germline): Likely pathogenic (1 of 4 stars; one submission).

Conditions:
Hypohidrotic X-linked ectodermal dysplasia (XHED). Also called: ECTODERMAL DYSPLASIA, HYPOHIDROTIC, 1; CST SYNDROME; Anhidrotic ectodermal dysplasia X-linked; Christ Siemens Touraine syndrome; ECTODERMAL DYSPLASIA 1, HYPOHIDROTIC, X-LINKED; ECTODERMAL DYSPLASIA 1, HYPOHIDROTIC/HAIR/TOOTH TYPE, X-LINKED. Identifiers: Orphanet 181, Orphanet 238468, MedGen C0162359, MONDO:0010585, OMIM 305100.

Submission:

Labcorp Genetics (formerly Invitae), Labcorp
Classification: Likely pathogenic for Hypohidrotic X-linked ectodermal dysplasia. Last evaluated: 2025-04-19. Review status: criteria provided, single submitter. Criteria: Invitae Variant Classification Sherloc (09022015). Collection method: clinical testing. Allele origin: germline.
Comment: This sequence change replaces serine, which is neutral and polar, with arginine, which is basic and polar, at codon 305 of the EDA protein (p.Ser305Arg). This variant is not present in population databases (gnomAD no frequency). This missense change has been observed in individual(s) with clinical features of ectodermal dysplasia (PMID: 31376704; internal data). Invitae Evidence Modeling of protein sequence and biophysical properties (such as structural, functional, and spatial information, amino acid conservation, physicochemical variation, residue mobility, and thermodynamic stability) has been performed for this missense variant. However, the output from this modeling did not meet the statistical confidence thresholds required to predict the impact of this variant on EDA protein function. Experimental studies have shown that this missense change affects EDA function (PMID: 31376704). In summary, the currently available evidence indicates that the variant is pathogenic, but additional data are needed to prove that conclusively. Therefore, this variant has been classified as Likely Pathogenic.

Literature cited by the submitters: PubMed 31376704.